The following is an entry in ClinVar:

ClinVar aggregate classification (germline): Uncertain significance (1 of 4 stars; one submission).

Conditions:
Cardiovascular phenotype. Identifiers: MedGen CN230736.

Submission:

Ambry Genetics
Classification: Uncertain significance for Cardiovascular phenotype. Last evaluated: 2026-09-07. Review status: criteria provided, single submitter. Criteria: Ambry Variant Classification Scheme 2023. Collection method: clinical testing. Allele origin: germline.
Comment: The p.A1217T variant (also known as c.3649G>A), located in coding exon 20 of the SCN10A gene, results from a G to A substitution at nucleotide position 3649. The alanine at codon 1217 is replaced by threonine, an amino acid with similar properties. This amino acid position is conserved. In addition, the in silico prediction for this alteration is inconclusive. Based on the available evidence, the clinical significance of this variant remains unclear.

NM_006514.4(SCN10A):c.3649G>A (p.Ala1217Thr)

Gene: SCN10A (sodium voltage-gated channel alpha subunit 10; minus strand). Cytogenetic location: 3p22.2.
Variant type: single nucleotide variant.
Coding change: c.3649G>A on transcript NM_006514.4 (MANE Select); coding-DNA position 3649, G replaced by A.
Protein change: p.Ala1217Thr; replaces alanine 1217 with threonine.
Molecular consequence: missense variant.
Genome position (GRCh38, 1-based): chr3:38,718,685, C>T on the plus strand (G>A on the coding strand, the complement: SCN10A is on the minus strand). VCF-style: chr3-38718685-C-T. GRCh37 (hg19) VCF-style: chr3-38760176-C-T.
Other names: c.3646G>A, p.Ala1216Thr (NM_001293306.2); c.3355G>A, p.Ala1119Thr (NM_001293307.2); short protein forms A1119T, A1216T, A1217T.
Identifiers: ClinVar variation 5029102 (VCV005029102.1).